The following is an entry in ClinVar:

NM_001017974.2(P4HA2):c.891G>T (p.Glu297Asp)

Gene: P4HA2 (prolyl 4-hydroxylase subunit alpha 2; minus strand). Cytogenetic location: 5q31.1.
Variant type: single nucleotide variant.
Coding change: c.891G>T on transcript NM_001017974.2 (MANE Select); coding-DNA position 891, G replaced by T.
Protein change: p.Glu297Asp; replaces glutamic acid 297 with aspartic acid.
Molecular consequence: missense variant.
Genome position (GRCh38, 1-based): chr5:132,209,150, C>A on the plus strand (G>T on the coding strand, the complement: P4HA2 is on the minus strand). VCF-style: chr5-132209150-C-A. GRCh37 (hg19) VCF-style: chr5-131544843-C-A.
Other names: c.891G>T, p.Glu297Asp (NM_001142598.2, NM_001142599.2, NM_001365677.2 and 5 more transcripts); short protein forms E297D.
Identifiers: ClinVar variation 4072577 (VCV004072577.1).

ClinVar aggregate classification (germline): Uncertain significance (1 of 4 stars; one submission).

Submission:

GeneDx
Classification: Uncertain significance. Last evaluated: 2025-01-27. Review status: criteria provided, single submitter. Criteria: GeneDx Variant Classification Process June 2021. Collection method: clinical testing. Allele origin: germline. Affected: yes.
Comment: Not observed at significant frequency in large population cohorts (gnomAD); In silico analysis supports that this missense variant has a deleterious effect on protein structure/function; Has not been previously published as pathogenic or benign to our knowledge